The following is an entry in ClinVar:

ClinVar aggregate classification (germline): Uncertain significance (1 of 4 stars; one submission).

Conditions:
Early-infantile DEE. Also called: Ohtahara syndrome; Early infantile epileptic encephalopathy with suppression bursts; Early infantile epileptic encephalopathy. Identifiers: Orphanet 1934, MedGen C0393706, MONDO:0800491.

Submission:

Labcorp Genetics (formerly Invitae), Labcorp
Classification: Uncertain significance for Early-infantile DEE. Last evaluated: 2025-11-13. Review status: criteria provided, single submitter. Criteria: Invitae Variant Classification Sherloc (09022015). Collection method: clinical testing. Allele origin: germline.
Comment: This sequence change replaces alanine, which is neutral and non-polar, with threonine, which is neutral and polar, at codon 477 of the ARHGEF15 protein (p.Ala477Thr). This variant is not present in population databases (gnomAD no frequency). This variant has not been reported in the literature in individuals affected with ARHGEF15-related conditions. An algorithm developed to predict the effect of missense changes on protein structure and function (PolyPhen-2) suggests that this variant is likely to be tolerated. Algorithms developed to predict the effect of sequence changes on RNA splicing suggest that this variant may disrupt the consensus splice site. In summary, the available evidence is currently insufficient to determine the role of this variant in disease. Therefore, it has been classified as a Variant of Uncertain Significance.

NM_173728.4(ARHGEF15):c.1429G>A (p.Ala477Thr)

Gene: ARHGEF15 (Rho guanine nucleotide exchange factor 15; plus strand). Cytogenetic location: 17p13.1.
Variant type: single nucleotide variant.
Coding change: c.1429G>A on transcript NM_173728.4 (MANE Select); coding-DNA position 1429, G replaced by A.
Protein change: p.Ala477Thr; replaces alanine 477 with threonine.
Molecular consequence: missense variant.
Genome position (GRCh38, 1-based): chr17:8,315,762, G>A. VCF-style: chr17-8315762-G-A. GRCh37 (hg19) VCF-style: chr17-8219080-G-A.
Other names: c.1429G>A, p.Ala477Thr (NM_025014.2); short protein forms A477T.
Identifiers: ClinVar variation 4768330 (VCV004768330.1).